The following is an entry in ClinVar:

ClinVar aggregate classification (germline): Likely pathogenic (1 of 4 stars; one submission).

Submission:

Labcorp Genetics (formerly Invitae), Labcorp
Classification: Likely pathogenic. Last evaluated: 2023-12-27. Review status: criteria provided, single submitter. Criteria: Invitae Variant Classification Sherloc (09022015). Collection method: clinical testing. Allele origin: germline.
Comment: This sequence change affects an acceptor splice site in intron 4 of the CACNA1F gene. It is expected to disrupt RNA splicing. Variants that disrupt the donor or acceptor splice site typically lead to a loss of protein function (PMID: 16199547), and loss-of-function variants in CACNA1F are known to be pathogenic (PMID: 9662399, 11281458, 17525176, 22194652, 24124559, 26992781). This variant is not present in population databases (gnomAD no frequency). This variant has not been reported in the literature in individuals affected with CACNA1F-related conditions. Algorithms developed to predict the effect of sequence changes on RNA splicing suggest that this variant may disrupt the consensus splice site. In summary, the currently available evidence indicates that the variant is pathogenic, but additional data are needed to prove that conclusively. Therefore, this variant has been classified as Likely Pathogenic.

Literature cited by the submitters: PubMed 16199547; PubMed 9662399; PubMed 11281458; PubMed 17525176; PubMed 22194652; PubMed 24124559; PubMed 26992781.

NM_001256789.3(CACNA1F):c.522-1G>A

Gene: CACNA1F (calcium voltage-gated channel subunit alpha1 F; minus strand). Cytogenetic location: Xp11.23.
Variant type: single nucleotide variant.
Coding change: c.522-1G>A on transcript NM_001256789.3 (MANE Select); the canonical splice acceptor site of the intron before coding-DNA position 522, G replaced by A.
Molecular consequence: splice acceptor variant.
Genome position (GRCh38, 1-based): chrX:49,230,610, C>T on the plus strand (G>A on the coding strand, the complement: CACNA1F is on the minus strand). VCF-style: chrX-49230610-C-T. GRCh37 (hg19) VCF-style: chrX-49087072-C-T.
Other names: c.522-1G>A (NM_005183.4); c.327-1G>A (NM_001256790.3).
Identifiers: ClinVar variation 2765146 (VCV002765146.3), dbSNP rs2519138457, ClinGen allele CA412925686.